The following is an entry in ClinVar:

ClinVar aggregate classification (germline): Uncertain significance (1 of 4 stars; one submission).

Submission:

Labcorp Genetics (formerly Invitae), Labcorp
Classification: Uncertain significance. Last evaluated: 2022-03-10. Review status: criteria provided, single submitter. Criteria: Invitae Variant Classification Sherloc (09022015). Collection method: clinical testing. Allele origin: germline.
Comment: In summary, the available evidence is currently insufficient to determine the role of this variant in disease. Therefore, it has been classified as a Variant of Uncertain Significance. Algorithms developed to predict the effect of missense changes on protein structure and function are either unavailable or do not agree on the potential impact of this missense change (SIFT: "Deleterious"; PolyPhen-2: "Benign"; Align-GVGD: "Class C0"). This variant has not been reported in the literature in individuals affected with WHRN-related conditions. This variant is not present in population databases (gnomAD no frequency). This sequence change replaces serine, which is neutral and polar, with arginine, which is basic and polar, at codon 84 of the WHRN protein (p.Ser84Arg).

NM_015404.4(WHRN):c.252T>G (p.Ser84Arg)

Gene: WHRN (whirlin; minus strand). Cytogenetic location: 9q32.
Variant type: single nucleotide variant.
Coding change: c.252T>G on transcript NM_015404.4 (MANE Select); coding-DNA position 252, T replaced by G.
Protein change: p.Ser84Arg; replaces serine 84 with arginine.
Molecular consequence: missense variant.
Genome position (GRCh38, 1-based): chr9:114,504,550, A>C on the plus strand (T>G on the coding strand, the complement: WHRN is on the minus strand). VCF-style: chr9-114504550-A-C. GRCh37 (hg19) VCF-style: chr9-117266830-A-C.
Other names: c.252T>G, p.Ser84Arg (NM_001173425.2); short protein forms S84R.
Identifiers: ClinVar variation 1353727 (VCV001353727.8), dbSNP rs1274920421, ClinGen allele CA374613460.